The following is an entry in ClinVar:

NM_000031.6(ALAD):c.135G>C (p.Gln45His)

Gene: ALAD (aminolevulinate dehydratase; minus strand). Cytogenetic location: 9q32.
Variant type: single nucleotide variant.
Coding change: c.135G>C on transcript NM_000031.6 (MANE Select); coding-DNA position 135, G replaced by C.
Protein change: p.Gln45His; replaces glutamine 45 with histidine.
Molecular consequence: missense variant. On other transcripts: intron variant (1).
Genome position (GRCh38, 1-based): chr9:113,392,148, C>G on the plus strand (G>C on the coding strand, the complement: ALAD is on the minus strand). VCF-style: chr9-113392148-C-G. GRCh37 (hg19) VCF-style: chr9-116154428-C-G.
Other names: c.222G>C, p.Gln74His (NM_001003945.3); c.141-525G>C (NM_001317745.2); c.135G>C (NM_000031.5); short protein forms Q45H, Q74H.
Identifiers: ClinVar variation 1384734 (VCV001384734.9), dbSNP rs760212596, ClinGen allele CA5196605.

ClinVar aggregate classification (germline): Uncertain significance. Review status: criteria provided, multiple submitters, no conflicts (2 of 4 stars). 2 submissions from 2 submitters: Uncertain significance (2). Last evaluated 2024-04-01.

Conditions:
Inborn genetic diseases. Identifiers: MedGen C0950123, MeSH D030342.

Allele frequency attached by ClinVar (database versions not stated): ExAC 0.00001; gnomAD exomes 0.00001 and 0.00002; gnomAD 0.00002; TOPMed 0.00003.
gnomAD v4.1: 25 of 1,613,814 alleles (0.0015%); highest among the groups gnomAD compares: Non-Finnish European, 0.002%; no homozygotes.

Submissions (2):

Ambry Genetics
Classification: Uncertain significance for Inborn genetic diseases. Last evaluated: 2024-04-01. Review status: criteria provided, single submitter. Criteria: Ambry Variant Classification Scheme 2023. Collection method: clinical testing. Allele origin: germline.

Labcorp Genetics (formerly Invitae), Labcorp
Classification: Uncertain significance. Last evaluated: 2021-04-22. Review status: criteria provided, single submitter. Criteria: Invitae Variant Classification Sherloc (09022015). Collection method: clinical testing. Allele origin: germline.
Comment: This sequence change replaces glutamine with histidine at codon 45 of the ALAD protein (p.Gln45His). The glutamine residue is moderately conserved and there is a small physicochemical difference between glutamine and histidine. In summary, the available evidence is currently insufficient to determine the role of this variant in disease. Therefore, it has been classified as a Variant of Uncertain Significance. Algorithms developed to predict the effect of missense changes on protein structure and function are either unavailable or do not agree on the potential impact of this missense change (SIFT: "Deleterious"; PolyPhen-2: "Possibly Damaging"; Align-GVGD: "Class C0"). This variant has not been reported in the literature in individuals with ALAD-related conditions. This variant is present in population databases (rs760212596, ExAC 0.002%).